The following is an entry in ClinVar:

ClinVar aggregate classification (germline): Likely benign. Review status: criteria provided, multiple submitters, no conflicts (2 of 4 stars). 4 submissions from 4 submitters: Likely benign (4). Last evaluated 2026-01-16.

Conditions:
Donnai-Barrow syndrome. Also called: DBS/FOAR SYNDROME; FACIOOCULOACOUSTICORENAL SYNDROME. Identifiers: Orphanet 2143, MedGen C1857277, MONDO:0009104, OMIM 222448.

Allele frequency attached by ClinVar (database versions not stated): gnomAD 0.00002 and 0.00003; TOPMed 0.00005; gnomAD exomes 0.00009 and 0.00011; ExAC 0.00015; ESP Exome Variant Server 0.00015; 1000 Genomes Project 30x 0.00016.
gnomAD v4.1: 136 of 1,614,186 alleles (0.0084%); highest among the groups gnomAD compares: Middle Eastern, 0.066%; 1 homozygote.

Submissions (4):

Labcorp Genetics (formerly Invitae), Labcorp
Classification: Likely benign. Last evaluated: 2026-01-16. Review status: criteria provided, single submitter. Criteria: Invitae Variant Classification Sherloc (09022015). Collection method: clinical testing. Allele origin: germline.

Blueprint Genetics
Classification: Likely benign. Last evaluated: 2024-10-24. Review status: criteria provided, single submitter. Criteria: ACMG Guidelines, 2015. Collection method: clinical testing. Allele origin: germline.

CeGaT Center for Human Genetics Tuebingen
Classification: Likely benign. Last evaluated: 2023-05-01. Review status: criteria provided, single submitter. Criteria: CeGaT Center For Human Genetics Tuebingen Variant Classification Criteria Version 2. Collection method: clinical testing. Allele origin: germline. Affected: yes. Observed: 1 variant allele.
Comment: LRP2: BP4, BP7

Fulgent Genetics
Classification: Likely benign for Donnai-Barrow syndrome. Last evaluated: 2021-11-08. Review status: criteria provided, single submitter. Criteria: ACMG Guidelines, 2015. Collection method: clinical testing. Allele origin: unknown.

NM_004525.3(LRP2):c.10803C>T (p.Cys3601=)

Gene: LRP2 (LDL receptor related protein 2; minus strand). Cytogenetic location: 2q31.1.
Variant type: single nucleotide variant.
Coding change: c.10803C>T on transcript NM_004525.3 (MANE Select); coding-DNA position 10803, C replaced by T.
Protein change: p.Cys3601=; no amino-acid change (cysteine 3601 retained).
Molecular consequence: synonymous variant.
Genome position (GRCh38, 1-based): chr2:169,174,130, G>A on the plus strand (C>T on the coding strand, the complement: LRP2 is on the minus strand). VCF-style: chr2-169174130-G-A. GRCh37 (hg19) VCF-style: chr2-170030640-G-A.
Identifiers: ClinVar variation 741762 (VCV000741762.36), dbSNP rs370876114, ClinGen allele CA1953238.